The following is an entry in ClinVar:

ClinVar aggregate classification (germline): Uncertain significance (1 of 4 stars; one submission).

Conditions:
Primary ciliary dyskinesia. Also called: Ciliary dyskinesia. Identifiers: Orphanet 244, MedGen C0008780, MONDO:0016575, HP:0012265.

Submission:

Labcorp Genetics (formerly Invitae), Labcorp
Classification: Uncertain significance for Primary ciliary dyskinesia. Last evaluated: 2023-02-27. Review status: criteria provided, single submitter. Criteria: Invitae Variant Classification Sherloc (09022015). Collection method: clinical testing. Allele origin: germline.
Comment: This sequence change creates a premature translational stop signal (p.Asn1132Lysfs*20) in the RPGR (ORF15) gene. While this is not anticipated to result in nonsense mediated decay, it is expected to disrupt the last 21 amino acid(s) of the RPGR (ORF15) protein. In summary, the available evidence is currently insufficient to determine the role of this variant in disease. Therefore, it has been classified as a Variant of Uncertain Significance. Experimental studies and prediction algorithms are not available or were not evaluated, and the functional significance of this variant is currently unknown. This variant has not been reported in the literature in individuals affected with RPGR (ORF15)-related conditions. This variant is not present in population databases (gnomAD no frequency).

NM_001034853.2(RPGR):c.3396del (p.Asn1132fs)

Gene: RPGR (retinitis pigmentosa GTPase regulator; minus strand). Cytogenetic location: Xp11.4.
Variant type: Deletion.
Coding change: c.3396del on transcript NM_001034853.2 (MANE Select); coding-DNA position 3396, one base deleted (C; older notation c.3396delC).
Protein change: p.Asn1132fs; shifts the reading frame from asparagine 1132.
Molecular consequence: frameshift variant. On other transcripts: intron variant (8).
Genome position (GRCh38, 1-based): chrX:38,285,603, G deleted on the plus strand (C on the coding strand, the reverse complement: RPGR is on the minus strand). VCF-style (leftmost placement, unchanged base first): chrX-38285602-CG-C. GRCh37 (hg19) VCF-style: chrX-38144855-CG-C.
Other names: c.1569+5356del (NM_001367249.1, NM_001367250.1); c.1902+1491del (NM_001367245.1); c.1386+5356del (NM_001367251.1); c.1719+1491del (NM_001367246.1); c.1572+5356del (NM_001367247.1); c.1905+1491del (NM_000328.3); c.1602+5356del (NM_001367248.1); short protein forms N1132fs.
Identifiers: ClinVar variation 2838779 (VCV002838779.3), dbSNP rs2519779790, ClinGen allele CA2739273384.